The following is an entry in ClinVar:

NM_015214.3(DDHD2):c.1575C>G (p.Tyr525Ter)

Gene: DDHD2 (DDHD domain containing 2; plus strand). Cytogenetic location: 8p11.23.
Variant type: single nucleotide variant.
Coding change: c.1575C>G on transcript NM_015214.3 (MANE Select); coding-DNA position 1575, C replaced by G.
Protein change: p.Tyr525Ter; replaces tyrosine 525 with a stop codon.
Molecular consequence: nonsense. On other transcripts: non-coding transcript variant (2).
Genome position (GRCh38, 1-based): chr8:38,252,245, C>G. VCF-style: chr8-38252245-C-G. GRCh37 (hg19) VCF-style: chr8-38109763-C-G.
Other names: c.1575C>G, p.Tyr525Ter (NM_001164232.2, NM_001362911.2, NM_001362912.2 and 1 more transcripts); c.1485C>G, p.Tyr495Ter (NM_001362913.2); short protein forms Y495*, Y525*.
Identifiers: ClinVar variation 5019641 (VCV005019641.2).

ClinVar aggregate classification (germline): Likely pathogenic (1 of 4 stars; one submission).

Conditions:
Hereditary spastic paraplegia 54. Also called: Spastic paraplegia 54, autosomal recessive. Identifiers: Orphanet 320380, MedGen C3539495, MONDO:0014018, OMIM 615033.

Submission:

Juno Genomics, Hangzhou Juno Genomics, Inc
Classification: Likely pathogenic for Hereditary spastic paraplegia 54. Review status: criteria provided, single submitter. Criteria: ACMG Guidelines, 2015. Collection method: clinical testing. Allele origin: germline.
Comment: Absent from controls (or at extremely low frequency if recessive) in Genome Aggregation Database.;Null variant in a gene where loss of function (LOF) is a known mechanism of disease.